The following is an entry in ClinVar:

ClinVar aggregate classification (germline): Uncertain significance (1 of 4 stars; one submission).

Conditions:
Hereditary cancer-predisposing syndrome. Also called: Neoplastic Syndromes, Hereditary; Tumor predisposition; Hereditary Cancer Syndrome; Hereditary neoplastic syndrome. Identifiers: Orphanet 140162, MedGen C0027672, MeSH D009386, MONDO:0015356.

Submission:

Ambry Genetics
Classification: Uncertain significance for Hereditary cancer-predisposing syndrome. Last evaluated: 2024-08-29. Review status: criteria provided, single submitter. Criteria: Ambry Variant Classification Scheme 2023. Collection method: clinical testing. Allele origin: germline.
Comment: The c.250_252delAAG variant (also known as p.K84del) is located in coding exon 2 of the RAD51C gene. This variant results from an in-frame AAG deletion at nucleotide positions 250 to 252. This results in the in-frame deletion of a lysine at codon 84. This amino acid position is well conserved in available vertebrate species. In addition, the in silico prediction for this alteration is inconclusive (Choi Y et al. PLoS ONE. 2012; 7(10):e46688). Based on the available evidence, the clinical significance of this variant remains unclear.

NM_058216.3(RAD51C):c.247AAG[1] (p.Lys84del)

Gene: RAD51C (RAD51 paralog C; plus strand). Cytogenetic location: 17q22.
Variant type: Microsatellite.
Coding change: c.247AAG[1] on transcript NM_058216.3 (MANE Select); one copy of the 3-base unit AAG starting at c.247; the reference has two copies in a row; one copy, 3 bases deleted.
Protein change: p.Lys84del; deletes lysine 84.
Molecular consequence: inframe indel (on NM_058216.1). On other transcripts: non-coding transcript variant (2).
Genome position (GRCh38, 1-based): chr17:58,695,035-58,695,037, AAG deleted; deleting any 3 consecutive bases within chr17:58,695,032-58,695,037 gives the same sequence; the position shown is the placement nearest the transcript's 3' end. VCF-style (leftmost placement, unchanged base first): chr17-58695031-CAAG-C. GRCh37 (hg19) VCF-style: chr17-56772392-CAAG-C.
Other names: c.247AAG[1], p.Lys84del (NM_002876.4); c.247_249AAG[1], p.Lys84del (NM_058216.1); c.250_252delAAG (NM_058216.1); short protein forms K84del.
Identifiers: ClinVar variation 3429709 (VCV003429709.1).